The following is an entry in ClinVar:

ClinVar aggregate classification (germline): Uncertain significance (1 of 4 stars; one submission).

Conditions:
Spermatogenic failure 18. Identifiers: MedGen C4539783, MONDO:0054615, OMIM 617576.
Ciliary dyskinesia, primary, 37 (CILD37). Also called: CILIARY DYSKINESIA, PRIMARY, 37, WITH OR WITHOUT SITUS INVERSUS. Identifiers: MedGen C4539798, MONDO:0033204, OMIM 617577.

Allele frequency attached by ClinVar (database versions not stated): ExAC 0.00001; gnomAD 0.00001; gnomAD exomes 0.00001 and 0.00002; TOPMed 0.00001.
gnomAD v4.1: 14 of 1,612,806 alleles (0.00087%); highest among the groups gnomAD compares: Admixed American, 0.0017%; no homozygotes.

Submission:

Labcorp Genetics (formerly Invitae), Labcorp
Classification: Uncertain significance for Ciliary dyskinesia, primary, 37; Spermatogenic failure 18. Last evaluated: 2017-10-31. Review status: criteria provided, single submitter. Criteria: Invitae Variant Classification Sherloc (09022015). Collection method: clinical testing. Allele origin: germline.
Comment: In summary, the available evidence is currently insufficient to determine the role of this variant in disease. Therefore, it has been classified as a Variant of Uncertain Significance. Nucleotide substitutions within the consensus splice site are a relatively common cause of aberrant splicing (PMID: 17576681, 9536098). Algorithms developed to predict the effect of sequence changes on RNA splicing suggest that this variant may disrupt the consensus splice site, but this prediction has not been confirmed by published transcriptional studies. This variant has not been reported in the literature in individuals with DNAH1-related disease. This variant is present in population databases (rs781060120, ExAC 0.009%). This sequence change falls in intron 13 of the DNAH1 gene. It does not directly change the encoded amino acid sequence of the DNAH1 protein, but it affects a nucleotide within the consensus splice site of the intron.

Literature cited by the submitters: PubMed 17576681; PubMed 9536098.

NM_015512.5(DNAH1):c.2300+5G>A

Gene: DNAH1 (dynein axonemal heavy chain 1; plus strand). Cytogenetic location: 3p21.1.
Variant type: single nucleotide variant.
Coding change: c.2300+5G>A on transcript NM_015512.5 (MANE Select); 5 bases into the intron after coding-DNA position 2300, G replaced by A.
Molecular consequence: intron variant.
Genome position (GRCh38, 1-based): chr3:52,349,086, G>A. VCF-style: chr3-52349086-G-A. GRCh37 (hg19) VCF-style: chr3-52383102-G-A.
Identifiers: ClinVar variation 544611 (VCV000544611.6), dbSNP rs781060120, ClinGen allele CA2433200.